The following is an entry in ClinVar:

ClinVar aggregate classification (germline): Uncertain significance. Review status: criteria provided, multiple submitters, no conflicts (2 of 4 stars). 2 submissions from 2 submitters: Uncertain significance (2). Last evaluated 2025-10-09.

Conditions:
Developmental and epileptic encephalopathy 94 (DEE94). Also called: Epileptic encephalopathy, childhood-onset; CHD2-Related Neurodevelopmental Disorders. Identifiers: Orphanet 1942, Orphanet 2382, MedGen C3809278, MONDO:0014150, OMIM 615369.

Submissions (2):

GeneDx
Classification: Uncertain significance. Last evaluated: 2025-10-09. Review status: criteria provided, single submitter. Criteria: GeneDx Variant Classification Process June 2021. Collection method: clinical testing. Allele origin: germline.
Comment: In silico analysis supports that this missense variant has a deleterious effect on protein structure/function; Has not been previously published as pathogenic or benign to our knowledge

Labcorp Genetics (formerly Invitae), Labcorp
Classification: Uncertain significance for Developmental and epileptic encephalopathy 94. Last evaluated: 2024-03-10. Review status: criteria provided, single submitter. Criteria: Invitae Variant Classification Sherloc (09022015). Collection method: clinical testing. Allele origin: germline.
Comment: This sequence change replaces glutamic acid, which is acidic and polar, with glycine, which is neutral and non-polar, at codon 977 of the CHD2 protein (p.Glu977Gly). This variant is not present in population databases (gnomAD no frequency). This variant has not been reported in the literature in individuals affected with CHD2-related conditions. Advanced modeling of protein sequence and biophysical properties (such as structural, functional, and spatial information, amino acid conservation, physicochemical variation, residue mobility, and thermodynamic stability) performed at Invitae indicates that this missense variant is not expected to disrupt CHD2 protein function with a negative predictive value of 95%. In summary, the available evidence is currently insufficient to determine the role of this variant in disease. Therefore, it has been classified as a Variant of Uncertain Significance.

NM_001271.4(CHD2):c.2930A>G (p.Glu977Gly)

Genes: CHD2 (chromodomain helicase DNA binding protein 2; plus strand), LOC126862230 (P300/CBP strongly-dependent group 1 enhancer GRCh37_chr15:93523977-93525176; plus strand). Cytogenetic location: 15q26.1.
Variant type: single nucleotide variant.
Coding change: c.2930A>G on transcript NM_001271.4 (MANE Select); coding-DNA position 2930, A replaced by G.
Protein change: p.Glu977Gly; replaces glutamic acid 977 with glycine.
Molecular consequence: missense variant.
Genome position (GRCh38, 1-based): chr15:92,980,868, A>G. VCF-style: chr15-92980868-A-G. GRCh37 (hg19) VCF-style: chr15-93524098-A-G.
Other names: c.2930A>G (NM_001271.3); short protein forms E977G.
Identifiers: ClinVar variation 3636682 (VCV003636682.4).